The following is an entry in ClinVar:

NM_001015880.2(PAPSS2):c.1000C>T (p.Arg334Ter)

Gene: PAPSS2 (3'-phosphoadenosine 5'-phosphosulfate synthase 2; plus strand). Cytogenetic location: 10q23.31.
Variant type: single nucleotide variant.
Coding change: c.1000C>T on transcript NM_001015880.2 (MANE Select); coding-DNA position 1000, C replaced by T.
Protein change: p.Arg334Ter; replaces arginine 334 with a stop codon.
Molecular consequence: nonsense.
Genome position (GRCh38, 1-based): chr10:87,727,403, C>T. VCF-style: chr10-87727403-C-T. GRCh37 (hg19) VCF-style: chr10-89487160-C-T.
Other names: c.985C>T, p.Arg329Ter (NM_004670.4); short protein forms R329*, R334*.
Identifiers: ClinVar variation 6688 (VCV000006688.14), dbSNP rs121908952, ClinGen allele CA118420.

ClinVar aggregate classification (germline): Pathogenic. Review status: criteria provided, multiple submitters, no conflicts (2 of 4 stars). 8 submissions from 8 submitters: Pathogenic (6). 2 of the submissions do not count toward it. Last evaluated 2026-01-26.

Conditions:
Autosomal recessive brachyolmia. Identifiers: Orphanet 448242, MedGen C4760908, MONDO:0018662.
Spondyloepimetaphyseal dysplasia, PAPSS2 type. Also called: BRACHYOLMIA TYPE 4 WITH MILD EPIPHYSEAL AND METAPHYSEAL CHANGES; SPONDYLODYSPLASIA AND PREMATURE PUBARCHE; SEMD, PAKISTANI TYPE. Identifiers: Orphanet 93282, MedGen C2748516, MONDO:0019666, OMIM 612847.

Allele frequency attached by ClinVar (database versions not stated): gnomAD 0.00001 and 0.00002; gnomAD exomes 0.00001 and 0.00004; TOPMed 0.00001; ExAC 0.00002; 1000 Genomes Project 30x 0.00016; 1000 Genomes Project 0.00020.

Submissions (8):

Laboratorio de Genetica e Diagnostico Molecular, Hospital Israelita Albert Einstein
Classification: Pathogenic for Spondyloepimetaphyseal dysplasia, PAPSS2 type. Last evaluated: 2026-01-26. Review status: criteria provided, single submitter. Criteria: ACMG Guidelines, 2015. Collection method: clinical testing. Allele origin: germline. Affected: yes.
Comment: ACMG classification criteria: PVS1 very strong, PS3 supporting, PM2 supporting, PM3 moderate, PP1 strong

Labcorp Genetics (formerly Invitae), Labcorp
Classification: Pathogenic for Spondyloepimetaphyseal dysplasia, PAPSS2 type. Last evaluated: 2024-06-22. Review status: criteria provided, single submitter. Criteria: Invitae Variant Classification Sherloc (09022015). Collection method: clinical testing. Allele origin: germline.
Comment: This sequence change creates a premature translational stop signal (p.Arg334*) in the PAPSS2 gene. It is expected to result in an absent or disrupted protein product. Loss-of-function variants in PAPSS2 are known to be pathogenic (PMID: 22791835, 23633440). This variant is present in population databases (rs121908952, gnomAD 0.02%). This premature translational stop signal has been observed in individual(s) with brachyolmia (PMID: 23633440, 31313512). This variant is also known as p.R329X . ClinVar contains an entry for this variant (Variation ID: 6688). For these reasons, this variant has been classified as Pathogenic.

Dasa
Classification: Pathogenic for Autosomal recessive brachyolmia. Last evaluated: 2022-04-10. Review status: criteria provided, single submitter. Criteria: ACMG Guidelines, 2015. Collection method: clinical testing. Allele origin: germline. Affected: yes. Observed: 1 variant allele.
Comment: The c.1000C>T;p.(Arg334*) variant creates a premature translational stop signal in the PAPSS2 gene. It is expected to result in an absent or disrupted protein product -PVS1.Well-established in vitro or in vivo functional studies supportive of a damaging effect on the gene or gene product (PMID: 19474428)PS3_supporting. This sequence change has been observed in affected individual(s) and ClinVar contains an entry for this variant (Clinvar ID: 6688; PMID: 19474428; DOI:10.1186/s13073-019-0651-9) - PS4. The variant is present at low allele frequencies population databases (rs121908952 – gnomAD 0.0001972%; ABraOM no frequency) - PM2_supporting. The p.(Arg334*) was detected in trans with a pathogenic variant (PMID: 19474428; DOI:10.1186/s13073-019-0651-9) - PM3. In summary, the currently available evidence indicates that the variant is pathogenic.

3billion
Classification: Pathogenic for Spondyloepimetaphyseal dysplasia, PAPSS2 type. Last evaluated: 2022-01-03. Review status: criteria provided, single submitter. Criteria: ACMG Guidelines, 2015. Collection method: clinical testing. Allele origin: germline. Affected: yes. Observed: 1 homozygote.
Comment: Stop-gained (nonsense): predicted to result in a loss or disruption of normal protein function through nonsense-mediated decay (NMD) or protein truncation. Multiple pathogenic variants are reported downstream of the variant (PVS1_VS). It is observed at an extremely low frequency in the gnomAD v2.1.1 dataset (total allele frequency: 0.000036, PM2_M). The variant has been reported at least twice as pathogenic/likely pathogenic with clinical assertions and evidence for the classification (ClinVar ID: VCV000006688, PMID:19474428). Therefore, this variant is classified as pathogenic according to the recommendation of ACMG/AMP guideline.

Baylor Genetics
Classification: Pathogenic for Spondyloepimetaphyseal dysplasia, PAPSS2 type. Last evaluated: 2017-09-01. Review status: criteria provided, single submitter. Criteria: ACMG Guidelines, 2015. Collection method: clinical testing. Allele origin: germline. Inheritance: Autosomal recessive inheritance. Affected: yes.

Eurofins Ntd Llc (ga)
Classification: Pathogenic. Last evaluated: 2014-11-06. Review status: criteria provided, single submitter. Criteria: EGL Classification Definitions 2015. Collection method: clinical testing. Allele origin: germline. Observed: 2 variant alleles, 2 heterozygotes.

Oxford Medical Genetics Laboratories, Oxford University Hospitals NHS Foundation Trust
Classification: Pathogenic for Spondyloepimetaphyseal dysplasia, PAPSS2 type. Last evaluated: 2019-05-03. Review status: no assertion criteria provided. Collection method: clinical testing. Allele origin: inherited. Affected: yes. Not counted in ClinVar's aggregate classification.

OMIM
Classification: Pathogenic for BRACHYOLMIA TYPE 4 WITH MILD EPIPHYSEAL AND METAPHYSEAL CHANGES. Last evaluated: 2009-05-28. Review status: no assertion criteria provided. Collection method: literature only. Allele origin: germline. Not counted in ClinVar's aggregate classification.

Literature cited by the submitters: PubMed 22791835 (cited by Labcorp Genetics (formerly Invitae), Labcorp); PubMed 23633440 (cited by Labcorp Genetics (formerly Invitae), Labcorp); PubMed 31313512 (cited by Labcorp Genetics (formerly Invitae), Labcorp); PubMed 19474428 (cited by 4 submitters); PubMed 25326635 (cited by Baylor Genetics).